The following is an entry in ClinVar:

ClinVar aggregate classification (germline): Conflicting classifications of pathogenicity. Review status: criteria provided, conflicting classifications (1 of 4 stars). 2 submissions from 2 submitters: Uncertain significance (1); Likely benign (1). Last evaluated 2025-04-07.

Conditions:
Familial hypobetalipoproteinemia 1. Also called: APOB-Related Familial Hypobetalipoproteinemia; Hypobetalipoproteinemia, normotriglyceridemic; Acanthocytosis with hypobetalipoproteinemia. Identifiers: MedGen C4551990, MONDO:0014252, OMIM 615558.
Hypercholesterolemia, autosomal dominant, type B (FHCL2). Also called: Familial Hypercholesterolemia Type B; APOLIPOPROTEIN B-100, FAMILIAL DEFECTIVE; APOLIPOPROTEIN B-100, FAMILIAL LIGAND-DEFECTIVE; HYPERCHOLESTEROLEMIA, FAMILIAL, DUE TO LIGAND-DEFECTIVE APOLIPOPROTEIN B; Hyperlipoproteinemia Type IIb; Familial hypercholesterolemia 2. Identifiers: MedGen C1704417, MONDO:0007751, OMIM 144010.

Allele frequency attached by ClinVar (database versions not stated): gnomAD 0.00001.
gnomAD v4.1: 1 of 1,614,102 alleles (0.000062%); highest among the groups gnomAD compares: East Asian, 0.0022%; no homozygotes.

Submissions (2):

GeneDx
Classification: Uncertain significance. Last evaluated: 2025-04-07. Review status: criteria provided, single submitter. Criteria: GeneDx Variant Classification Process June 2021. Collection method: clinical testing. Allele origin: germline. Affected: yes.
Comment: In silico analysis supports that this missense variant has a deleterious effect on protein structure/function; Has not been previously published as pathogenic or benign to our knowledge

Labcorp Genetics (formerly Invitae), Labcorp
Classification: Likely benign for Familial hypobetalipoproteinemia 1; Hypercholesterolemia, autosomal dominant, type B. Last evaluated: 2023-02-15. Review status: criteria provided, single submitter. Criteria: Invitae Variant Classification Sherloc (09022015). Collection method: clinical testing. Allele origin: germline.

NM_000384.3(APOB):c.3925G>C (p.Asp1309His)

Gene: APOB (apolipoprotein B; minus strand). Cytogenetic location: 2p24.1.
Variant type: single nucleotide variant.
Coding change: c.3925G>C on transcript NM_000384.3 (MANE Select); coding-DNA position 3925, G replaced by C.
Protein change: p.Asp1309His; replaces aspartic acid 1309 with histidine.
Molecular consequence: missense variant.
Genome position (GRCh38, 1-based): chr2:21,013,451, C>G on the plus strand (G>C on the coding strand, the complement: APOB is on the minus strand). VCF-style: chr2-21013451-C-G. GRCh37 (hg19) VCF-style: chr2-21236323-C-G.
Other names: c.3925G>C (NM_000384.2); short protein forms D1309H.
Identifiers: ClinVar variation 2947134 (VCV002947134.4), dbSNP rs1373269458, ClinGen allele CA346007983.